The following is an entry in ClinVar:

ClinVar aggregate classification (germline): Conflicting classifications of pathogenicity. Review status: criteria provided, conflicting classifications (1 of 4 stars). 6 submissions from 6 submitters: Likely pathogenic (2); Uncertain significance (3). 1 of the submissions does not count toward it. Last evaluated 2026-07-01.

Conditions:
FBLN5-related disorder. Also called: FBLN5-related condition.
Macular degeneration, age-related, 3 (ARMD3). Identifiers: Orphanet 280598, MedGen C1837187, MONDO:0012145, OMIM 608895.
Charcot-Marie-Tooth disease, demyelinating, IIA 1H. Also called: Charcot-Marie-Tooth disease, demyelinating, type 1H; HEREDITARY MOTOR AND SENSORY NEUROPATHY, IH; CHARCOT-MARIE-TOOTH NEUROPATHY, TYPE 1H; NEUROPATHY, HEREDITARY, WITH OR WITHOUT AGE-RELATED MACULAR DEGENERATION. Identifiers: MedGen C5676926, MONDO:0030689, OMIM 619764.

Allele frequency attached by ClinVar (database versions not stated): gnomAD exomes below 0.00001 and 0.00001; ExAC 0.00001.
gnomAD v4.1: 8 of 1,613,404 alleles (0.0005%); highest among the groups gnomAD compares: Admixed American, 0.0017%; no homozygotes.

Submissions (6):

CeGaT Center for Human Genetics Tuebingen
Classification: Likely pathogenic. Last evaluated: 2026-07-01. Review status: criteria provided, single submitter. Criteria: CeGaT Center For Human Genetics Tuebingen Variant Classification Criteria Version 2. Collection method: clinical testing. Allele origin: germline. Affected: yes. Observed: 1 variant allele.
Comment: FBLN5: PS4, PM2

Labcorp Genetics (formerly Invitae), Labcorp
Classification: Uncertain significance. Last evaluated: 2025-08-30. Review status: criteria provided, single submitter. Criteria: Invitae Variant Classification Sherloc (09022015). Collection method: clinical testing. Allele origin: germline.
Comment: This sequence change replaces arginine, which is basic and polar, with histidine, which is basic and polar, at codon 331 of the FBLN5 protein (p.Arg331His). This variant is present in population databases (rs774735234, gnomAD 0.0009%). This missense change has been observed in individuals with Charcot-Marie-Tooth disease (PMID: 32757322). ClinVar contains an entry for this variant (Variation ID: 1342917). An algorithm developed to predict the effect of missense changes on protein structure and function (PolyPhen-2) suggests that this variant is likely to be tolerated. In summary, the available evidence is currently insufficient to determine the role of this variant in disease. Therefore, it has been classified as a Variant of Uncertain Significance.

Mayo Clinic Laboratories, Mayo Clinic
Classification: Uncertain significance. Last evaluated: 2025-02-05. Review status: criteria provided, single submitter. Criteria: ACMG Guidelines, 2015. Collection method: clinical testing. Allele origin: germline. Observed: 1 variant allele.
Comment: PP2, PM2_supporting

Blueprint Genetics
Classification: Likely pathogenic for FBLN5-related disorders. Last evaluated: 2023-08-03. Review status: criteria provided, single submitter. Criteria: ACMG Guidelines, 2015. Collection method: clinical testing. Allele origin: germline. Affected: yes. Observed: 5 variant alleles.

MGZ Medical Genetics Center
Classification: Uncertain significance for Macular degeneration, age-related, 3. Last evaluated: 2022-06-03. Review status: criteria provided, single submitter. Criteria: ACMG Guidelines, 2015. Collection method: clinical testing. Allele origin: germline. Affected: yes. Observed: 2 variant alleles.
Comment: ACMG criteria applied: PS4_SUP, PM2_SUP, PP3

OMIM
Classification: Pathogenic for CHARCOT-MARIE-TOOTH DISEASE, DEMYELINATING, TYPE 1H. Last evaluated: 2022-03-02. Review status: no assertion criteria provided. Collection method: literature only. Allele origin: germline. Not counted in ClinVar's aggregate classification.

Literature cited by the submitters: PubMed 32757322 (cited by 3 submitters).

NM_006329.4(FBLN5):c.992G>A (p.Arg331His)

Gene: FBLN5 (fibulin 5; minus strand). Cytogenetic location: 14q32.12.
Variant type: single nucleotide variant.
Coding change: c.992G>A on transcript NM_006329.4 (MANE Select); coding-DNA position 992, G replaced by A.
Protein change: p.Arg331His; replaces arginine 331 with histidine.
Molecular consequence: missense variant.
Genome position (GRCh38, 1-based): chr14:91,877,680, C>T on the plus strand (G>A on the coding strand, the complement: FBLN5 is on the minus strand). VCF-style: chr14-91877680-C-T. GRCh37 (hg19) VCF-style: chr14-92344024-C-T.
Other names: p.Arg331His; c.1115G>A, p.Arg372His (NM_001384158.1); c.1043G>A, p.Arg348His (NM_001384159.1); c.992G>A, p.Arg331His (NM_001384160.1); c.824G>A, p.Arg275His (NM_001384161.1, NM_001384162.1); short protein forms R331H, R275H, R348H, R372H.
Identifiers: ClinVar variation 1342917 (VCV001342917.12), dbSNP rs774735234, ClinGen allele CA7312638.